The following is an entry in ClinVar:

ClinVar aggregate classification (germline): Uncertain significance (1 of 4 stars; one submission).

Conditions:
Primary ciliary dyskinesia. Also called: Ciliary dyskinesia. Identifiers: Orphanet 244, MedGen C0008780, MONDO:0016575, HP:0012265.

Submission:

Labcorp Genetics (formerly Invitae), Labcorp
Classification: Uncertain significance for Primary ciliary dyskinesia. Last evaluated: 2024-06-17. Review status: criteria provided, single submitter. Criteria: Invitae Variant Classification Sherloc (09022015). Collection method: clinical testing. Allele origin: germline.
Comment: This sequence change replaces alanine, which is neutral and non-polar, with threonine, which is neutral and polar, at codon 3495 of the DNAH8 protein (p.Ala3495Thr). This variant is not present in population databases (gnomAD no frequency). This variant has not been reported in the literature in individuals affected with DNAH8-related conditions. Advanced modeling of protein sequence and biophysical properties (such as structural, functional, and spatial information, amino acid conservation, physicochemical variation, residue mobility, and thermodynamic stability) performed at Invitae indicates that this missense variant is not expected to disrupt DNAH8 protein function with a negative predictive value of 80%. In summary, the available evidence is currently insufficient to determine the role of this variant in disease. Therefore, it has been classified as a Variant of Uncertain Significance.

NM_001206927.2(DNAH8):c.10483G>A (p.Ala3495Thr)

Genes: DNAH8 (dynein axonemal heavy chain 8; plus strand), DNAH8-AS1 (DNAH8 antisense RNA 1; minus strand). Cytogenetic location: 6p21.2.
Variant type: single nucleotide variant.
Coding change: c.10483G>A on transcript NM_001206927.2 (MANE Select); coding-DNA position 10483, G replaced by A.
Protein change: p.Ala3495Thr; replaces alanine 3495 with threonine.
Molecular consequence: missense variant.
Genome position (GRCh38, 1-based): chr6:38,918,099, G>A. VCF-style: chr6-38918099-G-A. GRCh37 (hg19) VCF-style: chr6-38885875-G-A.
Other names: c.9832G>A, p.Ala3278Thr (NM_001371.4); short protein forms A3495T, A3278T.
Identifiers: ClinVar variation 3655280 (VCV003655280.2).